The following is an entry in ClinVar:

NM_025137.4(SPG11):c.2316+7A>G

Gene: SPG11 (SPG11 vesicle trafficking associated, spatacsin; minus strand). Cytogenetic location: 15q21.1.
Variant type: single nucleotide variant.
Coding change: c.2316+7A>G on transcript NM_025137.4 (MANE Select); 7 bases into the intron after coding-DNA position 2316, A replaced by G.
Molecular consequence: intron variant.
Genome position (GRCh38, 1-based): chr15:44,622,721, T>C on the plus strand (A>G on the coding strand, the complement: SPG11 is on the minus strand). VCF-style: chr15-44622721-T-C. GRCh37 (hg19) VCF-style: chr15-44914919-T-C.
Other names: c.2316+7A>G (NM_001411132.1, NM_001160227.2).
Identifiers: ClinVar variation 3663656 (VCV003663656.2).
Genomic context (GRCh38, chr15:44,622,721, plus strand): 5'-TTTTCTTCCAAGTTTTTCACCCAGGCTTTCTAGAAAATGTATACTATGTAGTCTCACCTT[T>C]ACCTACCAAAAAGTCACGTATATTTTTATTAGTTGTATAGAAGCAGATCTTGAGCAATTG-3'

ClinVar aggregate classification (germline): Uncertain significance (1 of 4 stars; one submission).

Conditions:
Hereditary spastic paraplegia 11. Also called: Nakamura Osame syndrome; Autosomal recessive hereditary spastic paraplegia, mental impairment, and thin corpus callosum; SPASTIC PARAPLEGIA, AUTOSOMAL RECESSIVE, COMPLICATED, WITH THIN CORPUS CALLOSUM; SPASTIC PARAPLEGIA, AUTOSOMAL RECESSIVE, WITH MENTAL IMPAIRMENT AND THIN CORPUS CALLOSUM; Spastic Paraplegia 11; Spastic paraplegia, mental retardation and thin corpus callosum. Identifiers: Orphanet 2822, MedGen C1858479, MONDO:0011445, OMIM 604360.

Submission:

Labcorp Genetics (formerly Invitae), Labcorp
Classification: Uncertain significance for Hereditary spastic paraplegia 11. Last evaluated: 2024-08-28. Review status: criteria provided, single submitter. Criteria: Invitae Variant Classification Sherloc (09022015). Collection method: clinical testing. Allele origin: germline.
Comment: This sequence change falls in intron 12 of the SPG11 gene. It does not directly change the encoded amino acid sequence of the SPG11 protein. This variant is not present in population databases (gnomAD no frequency). This variant has not been reported in the literature in individuals affected with SPG11-related conditions. Algorithms developed to predict the effect of sequence changes on RNA splicing suggest that this variant may disrupt the consensus splice site. In summary, the available evidence is currently insufficient to determine the role of this variant in disease. Therefore, it has been classified as a Variant of Uncertain Significance.